The following is an entry in ClinVar:

NM_002936.6(RNASEH1):c.409+195T>C

Gene: RNASEH1 (ribonuclease H1; minus strand). Cytogenetic location: 2p25.3.
Variant type: single nucleotide variant.
Coding change: c.409+195T>C on transcript NM_002936.6 (MANE Select); 195 bases into the intron after coding-DNA position 409, T replaced by C.
Molecular consequence: intron variant.
Genome position (GRCh38, 1-based): chr2:3,551,949, A>G on the plus strand (T>C on the coding strand, the complement: RNASEH1 is on the minus strand). VCF-style: chr2-3551949-A-G. GRCh37 (hg19) VCF-style: chr2-3599539-A-G.
Other names: c.409+195T>C (NM_001378272.1, NM_001378273.1, NM_001378271.1); c.331+195T>C (NM_001286834.3); c.58+195T>C (NM_001286837.3).
Identifiers: ClinVar variation 669563 (VCV000669563.2), dbSNP rs13399327, ClinGen allele CA11312639.

ClinVar aggregate classification (germline): Benign. Review status: criteria provided, multiple submitters, no conflicts (2 of 4 stars). 2 submissions from 2 submitters: Benign (2). Last evaluated 2018-06-14.

Allele frequency attached by ClinVar (database versions not stated): 1000 Genomes Project 0.17173; 1000 Genomes Project 30x 0.17302; gnomAD 0.19048 and 0.19584; TOPMed 0.19220.
gnomAD v4.1: 28,967 of 152,198 alleles (19%); highest among the groups gnomAD compares: African/African-American, 27%; 2,996 homozygotes.

Submissions (2):

GeneDx
Classification: Benign. Last evaluated: 2018-06-14. Review status: criteria provided, single submitter. Criteria: GeneDx Variant Classification (06012015). Collection method: clinical testing. Allele origin: germline. Affected: yes.
Comment: This variant is considered likely benign or benign based on one or more of the following criteria: it is a conservative change, it occurs at a poorly conserved position in the protein, it is predicted to be benign by multiple in silico algorithms, and/or has population frequency not consistent with disease.

Breakthrough Genomics
Classification: Benign. Review status: criteria provided, single submitter. Criteria: ACMG Guidelines, 2015. Collection method: not provided. Allele origin: germline. Inheritance: Autosomal recessive inheritance. Affected: yes.